The following is an entry in ClinVar:

NM_001113491.2(SEPTIN9):c.722-6301C>T

Gene: SEPTIN9 (septin 9; plus strand). Cytogenetic location: 17q25.3.
Variant type: single nucleotide variant.
Coding change: c.722-6301C>T on transcript NM_001113491.2 (MANE Select); 6301 bases into the intron before coding-DNA position 722, C replaced by T.
Molecular consequence: intron variant. On other transcripts: 5 prime UTR variant (1).
Genome position (GRCh38, 1-based): chr17:77,475,843, C>T. VCF-style: chr17-77475843-C-T. GRCh37 (hg19) VCF-style: chr17-75471925-C-T.
Other names: c.-93C>T (NM_001113495.2); c.665-6301C>T (NM_001293695.2); c.230-6301C>T (NM_001113492.2, NM_001113494.1); c.668-6301C>T (NM_006640.5); c.701-6301C>T (NM_001113493.2); c.50-6301C>T (NM_001293696.2); c.-32-6301C>T (NM_001113496.2, NM_001293697.2, NM_001293698.2).
Identifiers: ClinVar variation 2648331 (VCV002648331.24), dbSNP rs745978209, ClinGen allele CA8793477.

ClinVar aggregate classification (germline): Likely benign (1 of 4 stars; one submission).

Allele frequency attached by ClinVar (database versions not stated): ExAC 0.00005; gnomAD 0.00005; TOPMed 0.00005.
gnomAD v4.1: 59 of 1,613,534 alleles (0.0037%); highest among the groups gnomAD compares: Middle Eastern, 0.066%; no homozygotes.

Submission:

CeGaT Center for Human Genetics Tuebingen
Classification: Likely benign. Last evaluated: 2022-11-01. Review status: criteria provided, single submitter. Criteria: CeGaT Center For Human Genetics Tuebingen Variant Classification Criteria Version 2. Collection method: clinical testing. Allele origin: germline. Affected: yes. Observed: 1 variant allele.
Comment: SEPTIN9: BP4, BS1